The following is an entry in ClinVar:

NM_004183.4(BEST1):c.804G>C (p.Glu268Asp)

Gene: BEST1 (bestrophin 1; plus strand). Cytogenetic location: 11q12.3.
Variant type: single nucleotide variant.
Coding change: c.804G>C on transcript NM_004183.4 (MANE Select); coding-DNA position 804, G replaced by C.
Protein change: p.Glu268Asp; replaces glutamic acid 268 with aspartic acid.
Molecular consequence: missense variant. On other transcripts: non-coding transcript variant (1).
Genome position (GRCh38, 1-based): chr11:61,958,235, G>C. VCF-style: chr11-61958235-G-C. GRCh37 (hg19) VCF-style: chr11-61725707-G-C.
Other names: c.624G>C, p.Glu208Asp (NM_001139443.3, NM_001300786.2, NM_001300787.2); c.486G>C, p.Glu162Asp (NM_001363591.3); c.804G>C, p.Glu268Asp (NM_001363592.2); c.-372G>C (NM_001363593.3); short protein forms E162D, E208D, E268D.
Identifiers: ClinVar variation 1307617 (VCV001307617.2), dbSNP rs778715415, ClinGen allele CA380839913.

ClinVar aggregate classification (germline): Uncertain significance (1 of 4 stars; one submission).

Allele frequency attached by ClinVar (database versions not stated): gnomAD exomes below 0.00001.
gnomAD v4.1: 3 of 1,614,212 alleles (0.00019%); highest among the groups gnomAD compares: Middle Eastern, 0.033%; no homozygotes.

Submission:

GeneDx
Classification: Uncertain significance. Last evaluated: 2020-09-10. Review status: criteria provided, single submitter. Criteria: GeneDx Variant Classification Process June 2021. Collection method: clinical testing. Allele origin: germline. Affected: yes.
Comment: Not observed in large population cohorts (Lek et al., 2016); In silico analysis supports that this missense variant does not alter protein structure/function; Has not been previously published as pathogenic or benign to our knowledge